The following is an entry in ClinVar:

NM_032242.4(PLXNA1):c.1825G>A (p.Val609Ile)

Gene: PLXNA1 (plexin A1; plus strand). Cytogenetic location: 3q21.3.
Variant type: single nucleotide variant.
Coding change: c.1825G>A on transcript NM_032242.4 (MANE Select); coding-DNA position 1825, G replaced by A.
Protein change: p.Val609Ile; replaces valine 609 with isoleucine.
Molecular consequence: missense variant.
Genome position (GRCh38, 1-based): chr3:127,005,171, G>A. VCF-style: chr3-127005171-G-A. GRCh37 (hg19) VCF-style: chr3-126724014-G-A.
Other names: short protein forms V609I.
Identifiers: ClinVar variation 2634736 (VCV002634736.3), dbSNP rs143376196, ClinGen allele CA2593373.
Genomic context (GRCh38, chr3:127,005,171, plus strand): 5'-GTGCCTGACCTCTCAGCTGGCGTCAACTGCTCCTTCGAGGACTTCACGGAATCTGAGAGC[G>A]TCCTGGAGGATGGCCGGATCCACTGCCGCTCACCCTCCGCCCGGGAGGTGGCGCCCATCA-3'
Protein context (NP_115618.3, residues 599-619): SFEDFTESES[Val609Ile]LEDGRIHCRS

ClinVar aggregate classification (germline): Uncertain significance (0 of 4 stars; one submission).

Conditions:
PLXNA1-related disorder. Also called: PLXNA1-related condition.

Allele frequency attached by ClinVar (database versions not stated): TOPMed 0.00017; 1000 Genomes Project 0.00020; 1000 Genomes Project 30x 0.00031; ESP Exome Variant Server 0.00031.
gnomAD v4.1: 305 of 1,612,614 alleles (0.019%); highest among the groups gnomAD compares: Non-Finnish European, 0.024%; no homozygotes.

Submission:

PreventionGenetics, part of Exact Sciences
Classification: Uncertain significance for PLXNA1-related condition. Last evaluated: 2024-07-16. Review status: no assertion criteria provided. Collection method: clinical testing. Allele origin: germline.
Comment: The PLXNA1 c.1825G>A variant is predicted to result in the amino acid substitution p.Val609Ile. To our knowledge, this variant has not been reported in the literature. Of note, an isoleucine (Ile) is present at the Val609 residue in multiple vertebrate species. This variant is reported in 0.020% of alleles in individuals of Ashkenazi Jewish descent in gnomAD. At this time, the clinical significance of this variant is uncertain due to the absence of conclusive functional and genetic evidence.